The following is an entry in ClinVar:

ClinVar aggregate classification (germline): Uncertain significance (1 of 4 stars; one submission).

Conditions:
Alstrom syndrome (ALMS). Identifiers: Orphanet 64, MedGen C0268425, MONDO:0008763, OMIM 203800.

gnomAD v4.1: 2 of 1,614,086 alleles (0.00012%); highest among the groups gnomAD compares: South Asian, 0.0011%; no homozygotes.

Submission:

Labcorp Genetics (formerly Invitae), Labcorp
Classification: Uncertain significance for Alstrom syndrome. Last evaluated: 2024-03-20. Review status: criteria provided, single submitter. Criteria: Invitae Variant Classification Sherloc (09022015). Collection method: clinical testing. Allele origin: germline.
Comment: This sequence change replaces histidine, which is basic and polar, with glutamine, which is neutral and polar, at codon 3070 of the ALMS1 protein (p.His3070Gln). This variant is not present in population databases (gnomAD no frequency). This variant has not been reported in the literature in individuals affected with ALMS1-related conditions. Experimental studies and prediction algorithms are not available or were not evaluated, and the functional significance of this variant is currently unknown. In summary, the available evidence is currently insufficient to determine the role of this variant in disease. Therefore, it has been classified as a Variant of Uncertain Significance.

NM_001378454.1(ALMS1):c.9207T>G (p.His3069Gln)

Gene: ALMS1 (ALMS1 centrosome and basal body associated protein; plus strand). Cytogenetic location: 2p13.1.
Variant type: single nucleotide variant.
Coding change: c.9207T>G on transcript NM_001378454.1 (MANE Select); coding-DNA position 9207, T replaced by G.
Protein change: p.His3069Gln; replaces histidine 3069 with glutamine.
Molecular consequence: missense variant.
Genome position (GRCh38, 1-based): chr2:73,491,166, T>G. VCF-style: chr2-73491166-T-G. GRCh37 (hg19) VCF-style: chr2-73718293-T-G.
Other names: c.9210T>G, p.His3070Gln (NM_015120.4); short protein forms H3070Q, H3069Q.
Identifiers: ClinVar variation 3696534 (VCV003696534.2).